The following is an entry in ClinVar:

ClinVar aggregate classification (germline): Uncertain significance. Review status: criteria provided, multiple submitters, no conflicts (2 of 4 stars). 2 submissions from 2 submitters: Uncertain significance (2). Last evaluated 2025-04-15.

Conditions:
Encephalopathy, acute, infection-induced (herpes-specific), susceptibility to, 1. Also called: Herpes simplex encephalitis, susceptibility to, 1. Identifiers: Orphanet 1930, MedGen C2750180, MONDO:0024563, OMIM 610551.

Allele frequency attached by ClinVar (database versions not stated): gnomAD 0.00005 and 0.00001; ExAC 0.00026; gnomAD exomes 0.00015; TOPMed 0.00002.

Submissions (2):

Ambry Genetics
Classification: Uncertain significance. Last evaluated: 2025-04-15. Review status: criteria provided, single submitter. Criteria: Ambry Variant Classification Scheme 2023. Collection method: clinical testing. Allele origin: germline.

Labcorp Genetics (formerly Invitae), Labcorp
Classification: Uncertain significance for Encephalopathy, acute, infection-induced (herpes-specific), susceptibility to, 1. Last evaluated: 2022-05-14. Review status: criteria provided, single submitter. Criteria: Invitae Variant Classification Sherloc (09022015). Collection method: clinical testing. Allele origin: germline.
Comment: This sequence change replaces arginine, which is basic and polar, with histidine, which is basic and polar, at codon 157 of the UNC93B1 protein (p.Arg157His). This variant is present in population databases (rs751962281, gnomAD 0.09%). This variant has not been reported in the literature in individuals affected with UNC93B1-related conditions. ClinVar contains an entry for this variant (Variation ID: 941008). In summary, the available evidence is currently insufficient to determine the role of this variant in disease. Therefore, it has been classified as a Variant of Uncertain Significance.

NM_030930.4(UNC93B1):c.470G>A (p.Arg157His)

Gene: UNC93B1 (unc-93B1 regulator of TLR signaling; minus strand). Cytogenetic location: 11q13.2.
Variant type: single nucleotide variant.
Coding change: c.470G>A on transcript NM_030930.4 (MANE Select); coding-DNA position 470, G replaced by A.
Protein change: p.Arg157His; replaces arginine 157 with histidine.
Molecular consequence: missense variant.
Genome position (GRCh38, 1-based): chr11:67,999,603, C>T on the plus strand (G>A on the coding strand, the complement: UNC93B1 is on the minus strand). VCF-style: chr11-67999603-C-T. GRCh37 (hg19) VCF-style: chr11-67767073-C-T.
Other names: c.470G>A (NM_030930.2); short protein forms R157H.
Identifiers: ClinVar variation 941008 (VCV000941008.6), dbSNP rs751962281, ClinGen allele CA6145650.